The following is an entry in ClinVar:

ClinVar aggregate classification (germline): Uncertain significance. Review status: criteria provided, multiple submitters, no conflicts (2 of 4 stars). 3 submissions from 3 submitters: Uncertain significance (3). Last evaluated 2026-10-15.

Conditions:
Seizures, benign familial infantile, 3 (BFIS3). Also called: CONVULSIONS, BENIGN FAMILIAL INFANTILE, 3; Familial neonatal seizures. Identifiers: Orphanet 140927, Orphanet 306, MedGen C1843140, MONDO:0011904, OMIM 607745.
Developmental and epileptic encephalopathy, 11 (DEE11). Also called: Early infantile epileptic encephalopathy 11. Identifiers: Orphanet 1934, MedGen C3150987, MONDO:0013388, OMIM 613721.

Submissions (3):

GeneDx
Classification: Uncertain significance. Last evaluated: 2026-10-15. Review status: criteria provided, single submitter. Criteria: GeneDx Variant Classification Process June 2021. Collection method: clinical testing. Allele origin: germline.
Comment: Not observed at significant frequency in large population cohorts (gnomAD); In silico analysis suggests that this missense variant does not alter protein structure/function; Has not been previously published as pathogenic or benign to our knowledge; This substitution is predicted to be within the transmembrane segment S3 of the third homologous domain

Labcorp Genetics (formerly Invitae), Labcorp
Classification: Uncertain significance for Seizures, benign familial infantile, 3; Developmental and epileptic encephalopathy, 11. Last evaluated: 2022-07-19. Review status: criteria provided, single submitter. Criteria: Invitae Variant Classification Sherloc (09022015). Collection method: clinical testing. Allele origin: germline.
Comment: In summary, the available evidence is currently insufficient to determine the role of this variant in disease. Therefore, it has been classified as a Variant of Uncertain Significance. Algorithms developed to predict the effect of missense changes on protein structure and function (SIFT, PolyPhen-2, Align-GVGD) all suggest that this variant is likely to be tolerated. ClinVar contains an entry for this variant (Variation ID: 981927). This variant has not been reported in the literature in individuals affected with SCN2A-related conditions. This variant is not present in population databases (gnomAD no frequency). This sequence change replaces threonine, which is neutral and polar, with isoleucine, which is neutral and non-polar, at codon 1290 of the SCN2A protein (p.Thr1290Ile).

Institute of Human Genetics, University of Goettingen
Classification: Uncertain significance for Developmental and epileptic encephalopathy, 11. Last evaluated: 2020-06-16. Review status: criteria provided, single submitter. Criteria: ACMG Guidelines, 2015. Collection method: clinical testing. Allele origin: unknown. Inheritance: Autosomal dominant inheritance. Affected: yes. Observed: 1 heterozygote.
Comment: ACMG criteria used for classification: PM2, PP2, BP4

NM_001040142.2(SCN2A):c.3869C>T (p.Thr1290Ile)

Gene: SCN2A (sodium voltage-gated channel alpha subunit 2; plus strand). Cytogenetic location: 2q24.3.
Variant type: single nucleotide variant.
Coding change: c.3869C>T on transcript NM_001040142.2 (MANE Select); coding-DNA position 3869, C replaced by T.
Protein change: p.Thr1290Ile; replaces threonine 1290 with isoleucine.
Molecular consequence: missense variant.
Genome position (GRCh38, 1-based): chr2:165,373,244, C>T. VCF-style: chr2-165373244-C-T. GRCh37 (hg19) VCF-style: chr2-166229754-C-T.
Other names: c.3869C>T, p.Thr1290Ile (NM_001040143.2, NM_001371246.1, NM_001371247.1 and 1 more transcripts); short protein forms T1290I.
Identifiers: ClinVar variation 981927 (VCV000981927.11), dbSNP rs1701137468, ClinGen allele CA349028823.